The following is an entry in ClinVar:

NM_003072.5(SMARCA4):c.574del (p.Arg192fs)

Gene: SMARCA4 (SWI/SNF related BAF chromatin remodeling complex subunit ATPase 4; plus strand). Cytogenetic location: 19p13.2.
Variant type: Deletion.
Coding change: c.574del on transcript NM_003072.5 (MANE Select); coding-DNA position 574, one base deleted (A; older notation c.574delA).
Protein change: p.Arg192fs; shifts the reading frame from arginine 192.
Molecular consequence: frameshift variant. On other transcripts: non-coding transcript variant (1).
Genome position (GRCh38, 1-based): chr19:10,986,407, A deleted. VCF-style (leftmost placement, unchanged base first): chr19-10986406-CA-C. GRCh37 (hg19) VCF-style: chr19-11097082-CA-C.
Other names: c.574del, p.Arg192fs (NM_001374457.1, NM_001387283.1, NM_001128844.3 and 5 more transcripts); c.574delA (NM_001128849.1); short protein forms R192fs.
Identifiers: ClinVar variation 1072302 (VCV001072302.11), dbSNP rs2145779070, ClinGen allele CA2499225265.
Genomic context (GRCh38, chr19:10,986,406, plus strand): 5'-ATTTAACCAGAACCAGCTGCACCAGCTCAGAGCTCAGATCATGGCCTACAAGATGCTGGC[CA>C]GGGGGCAGCCCCTCCCCGACCACCTGCAGATGGCGGTGCAGGGCAAGCGGCCGATGCCCG-3'

ClinVar aggregate classification (germline): Pathogenic. Review status: criteria provided, multiple submitters, no conflicts (2 of 4 stars). 2 submissions from 2 submitters: Pathogenic (2). Last evaluated 2024-07-23.

Conditions:
Hereditary cancer-predisposing syndrome. Also called: Tumor predisposition; Hereditary neoplastic syndrome; Neoplastic Syndromes, Hereditary; Hereditary Cancer Syndrome. Identifiers: Orphanet 140162, MedGen C0027672, MeSH D009386, MONDO:0015356.
Rhabdoid tumor predisposition syndrome 2 (RTPS2). Identifiers: Orphanet 231108, Orphanet 69077, MedGen C2750074, MONDO:0013224, OMIM 613325.

Submissions (2):

Ambry Genetics
Classification: Pathogenic for Hereditary cancer-predisposing syndrome. Last evaluated: 2024-07-23. Review status: criteria provided, single submitter. Criteria: Ambry Variant Classification Scheme 2023. Collection method: clinical testing. Allele origin: germline.
Comment: The c.574delA variant, located in coding exon 3 of the SMARCA4 gene, results from a deletion of one nucleotide at nucleotide position 574, causing a translational frameshift with a predicted alternate stop codon (p.R192Gfs*111). This variant is considered to be rare based on population cohorts in the Genome Aggregation Database (gnomAD). Loss-of-function variants in SMARCA4 are known to cause rhabdoid tumor predisposition syndrome including small cell carcinoma of the ovary-hypercalcemic type (SCCOHT); however, such associations with neurodevelopmental disorders are exceedingly rare (Kosho T et al. Am J Med Genet C Semin Med Genet. 2014 Sep;166C(3):262-75; Jelinic P et al. Nat Genet. 2014 May;46(5):424-6). This alteration is expected to result in loss of function by premature protein truncation or nonsense-mediated mRNA decay. Based on the supporting evidence, this alteration is pathogenic for rhabdoid tumor predisposition syndrome; however, the association of this alteration with Coffin-Siris syndrome is unlikely.

Labcorp Genetics (formerly Invitae), Labcorp
Classification: Pathogenic for Rhabdoid tumor predisposition syndrome 2. Last evaluated: 2022-10-05. Review status: criteria provided, single submitter. Criteria: Invitae Variant Classification Sherloc (09022015). Collection method: clinical testing. Allele origin: germline.
Comment: ClinVar contains an entry for this variant (Variation ID: 1072302). This sequence change creates a premature translational stop signal (p.Arg192Glyfs*111) in the SMARCA4 gene. It is expected to result in an absent or disrupted protein product. Loss-of-function variants in SMARCA4 are known to be pathogenic (PMID: 24658001, 24658002). This variant is not present in population databases (gnomAD no frequency). This variant has not been reported in the literature in individuals affected with SMARCA4-related conditions. For these reasons, this variant has been classified as Pathogenic.

Literature cited by the submitters: PubMed 24658001 (cited by Labcorp Genetics (formerly Invitae), Labcorp); PubMed 24658002 (cited by Labcorp Genetics (formerly Invitae), Labcorp).